The following is an entry in ClinVar:

ClinVar aggregate classification (germline): Benign. Review status: criteria provided, multiple submitters, no conflicts (2 of 4 stars). 8 submissions from 8 submitters: Benign (6). 2 of the submissions do not count toward it. Last evaluated 2026-02-01.

Conditions:
Microcephalic osteodysplastic primordial dwarfism type II (MOPD2). Also called: Microcephalic osteodysplastic primordial dwarfism with tooth abnormalities; MOPD II; OSTEODYSPLASTIC PRIMORDIAL DWARFISM, TYPE II. Identifiers: Orphanet 2637, MedGen C0432246, MONDO:0008872, OMIM 210720.

Allele frequency attached by ClinVar (database versions not stated): gnomAD exomes 0.00516; ExAC 0.00728; ESP Exome Variant Server 0.01881; gnomAD 0.02020 and 0.02167; TOPMed 0.02365; 1000 Genomes Project 0.02436; 1000 Genomes Project 30x 0.02545.
gnomAD v4.1: 6,278 of 1,597,508 alleles (0.39%); highest among the groups gnomAD compares: African/African-American, 7.2%; 230 homozygotes.

Submissions (15):

Labcorp Genetics (formerly Invitae), Labcorp
Classification: Benign. Last evaluated: 2026-02-01. Review status: criteria provided, single submitter. Criteria: Invitae Variant Classification Sherloc (09022015). Collection method: clinical testing. Allele origin: germline.

ARUP Laboratories, Molecular Genetics and Genomics, ARUP Laboratories
Classification: Benign for Microcephalic osteodysplastic primordial dwarfism type II. Last evaluated: 2023-11-22. Review status: criteria provided, single submitter. Criteria: ARUP Molecular Germline Variant Investigation Process 2024. Collection method: clinical testing. Allele origin: germline.

Illumina Laboratory Services, Illumina
Classification: Benign for Microcephalic osteodysplastic primordial dwarfism type II. Last evaluated: 2018-01-13. Review status: criteria provided, single submitter. Criteria: ICSL Variant Classification Criteria 13 December 2019. Collection method: clinical testing. Allele origin: germline.
Comment: This variant was observed in the ICSL laboratory as part of a predisposition screen in an ostensibly healthy population. It had not been previously curated by ICSL or reported in the Human Gene Mutation Database (HGMD: prior to June 1st, 2018), and was therefore a candidate for classification through an automated scoring system. Utilizing variant allele frequency, disease prevalence and penetrance estimates, and inheritance mode, an automated score was calculated to assess if this variant is too frequent to cause the disease. Based on the score and internal cut-off values, a variant classified as benign is not then subjected to further curation. The score for this variant resulted in a classification of benign for this disease.

GeneDx
Classification: Benign. Last evaluated: 2015-03-03. Review status: criteria provided, single submitter. Criteria: GeneDx Variant Classification Process June 2021. Collection method: clinical testing. Allele origin: germline. Affected: yes.

Genetic Services Laboratory, University of Chicago
Classification: Benign. Last evaluated: 2013-02-08. Review status: criteria provided, single submitter. Criteria: ACMG Guidelines, 2007. Collection method: clinical testing. Allele origin: germline. Inheritance: Autosomal recessive inheritance.

Breakthrough Genomics
Classification: Benign. Review status: criteria provided, single submitter. Criteria: ACMG Guidelines, 2015. Collection method: not provided. Allele origin: germline. Inheritance: Autosomal recessive inheritance. Affected: yes.

Clinical Genetics DNA and cytogenetics Diagnostics Lab, Erasmus MC, Erasmus Medical Center
Classification: Benign. Review status: no assertion criteria provided. Collection method: clinical testing. Allele origin: germline. Affected: yes. Study: VKGL Data-share Consensus. Not counted in ClinVar's aggregate classification.

Dr. Peter K. Rogan Lab, Western University
No classification provided (evidence only). Condition: Acute myeloid leukemia. Review status: no classification provided. Collection method: in vitro. Allele origin: not applicable. Functional consequence: retained intron. Not counted in ClinVar's aggregate classification.

Dr. Peter K. Rogan Lab, Western University
No classification provided (evidence only). Condition: Acute myeloid leukemia. Review status: no classification provided. Collection method: in vitro. Allele origin: not applicable. Functional consequence: skipped exon. Not counted in ClinVar's aggregate classification.

Dr. Peter K. Rogan Lab, Western University
No classification provided (evidence only). Condition: Uterine corpus endometrial carcinoma. Review status: no classification provided. Collection method: in vitro. Allele origin: not applicable. Functional consequence: retained intron. Not counted in ClinVar's aggregate classification.

Dr. Peter K. Rogan Lab, Western University
No classification provided (evidence only). Condition: Uterine corpus endometrial carcinoma. Review status: no classification provided. Collection method: in vitro. Allele origin: not applicable. Functional consequence: retained intron. Not counted in ClinVar's aggregate classification.

Dr. Peter K. Rogan Lab, Western University
No classification provided (evidence only). Condition: Hepatocellular carcinoma. Review status: no classification provided. Collection method: in vitro. Allele origin: not applicable. Functional consequence: retained intron. Not counted in ClinVar's aggregate classification.

Dr. Peter K. Rogan Lab, Western University
No classification provided (evidence only). Condition: Thymoma. Review status: no classification provided. Collection method: in vitro. Allele origin: not applicable. Functional consequence: retained intron. Not counted in ClinVar's aggregate classification.

Dr. Peter K. Rogan Lab, Western University
No classification provided (evidence only). Condition: Ovarian serous cystadenocarcinoma. Review status: no classification provided. Collection method: in vitro. Allele origin: not applicable. Functional consequence: retained intron. Not counted in ClinVar's aggregate classification.

Laboratory of Diagnostic Genome Analysis, Leiden University Medical Center (LUMC)
Classification: Likely benign. Review status: no assertion criteria provided. Collection method: clinical testing. Allele origin: germline. Affected: yes. Study: VKGL Data-share Consensus. Not counted in ClinVar's aggregate classification.

NM_006031.6(PCNT):c.5879G>A (p.Arg1960Gln)

Gene: PCNT (pericentrin; plus strand). Cytogenetic location: 21q22.3.
Variant type: single nucleotide variant.
Coding change: c.5879G>A on transcript NM_006031.6 (MANE Select); coding-DNA position 5879, G replaced by A.
Protein change: p.Arg1960Gln; replaces arginine 1960 with glutamine.
Molecular consequence: missense variant.
Genome position (GRCh38, 1-based): chr21:46,411,952, G>A. VCF-style: chr21-46411952-G-A. GRCh37 (hg19) VCF-style: chr21-47831866-G-A.
Other names: c.5525G>A, p.Arg1842Gln (NM_001315529.2); short protein forms R1960Q, R1842Q.
Identifiers: ClinVar variation 159626 (VCV000159626.30), dbSNP rs34813667, ClinGen allele CA173034.
Genomic context (GRCh38, chr21:46,411,952, plus strand): 5'-TCCTGAGGTGCCAGGTGGAGCTGGACAGGCGGCAGGCCCGCAGAGCCACAGCTCACACAC[G>A]GGTGCCCGGGGCCCACCCACAGCCTCGCATGGATGGTGGCGCCAAGGCCCAGGTCACCGG-3'
Protein context (NP_006022.3, residues 1950-1970): RQARRATAHT[Arg1960Gln]VPGAHPQPRM